The following is an entry in ClinVar:

NM_006567.5(FARS2):c.271G>T (p.Glu91Ter)

Genes: FARS2 (phenylalanyl-tRNA synthetase 2, mitochondrial; plus strand), LOC126859565 (CDK7 strongly-dependent group 2 enhancer GRCh37_chr6:5368745-5369944; plus strand). Cytogenetic location: 6p25.1.
Variant type: single nucleotide variant.
Coding change: c.271G>T on transcript NM_006567.5 (MANE Select); coding-DNA position 271, G replaced by T.
Protein change: p.Glu91Ter; replaces glutamic acid 91 with a stop codon.
Molecular consequence: nonsense. On other transcripts: intron variant (2).
Genome position (GRCh38, 1-based): chr6:5,368,841, G>T. VCF-style: chr6-5368841-G-T. GRCh37 (hg19) VCF-style: chr6-5369074-G-T.
Other names: c.271G>T, p.Glu91Ter (NM_001318872.2, NM_001374875.1, NM_001374876.1 and 5 more transcripts); c.-340-27792G>T (NM_001375260.1); c.-84-35701G>T (NM_001375259.1); short protein forms E91*.
Identifiers: ClinVar variation 4730807 (VCV004730807.1).
Genomic context (GRCh38, chr6:5,368,841, plus strand): 5'-CTCACCAGAGTTGGCAGGAACCTGCACAACCAGCAGCATCACCCTCTGTGGCTGATCAAG[G>T]AGAGGGTGAAGGAGCACTTCTACAAGCAGTATGTGGGCCGCTTTGGGACCCCGTTGTTCT-3'

ClinVar aggregate classification (germline): Pathogenic (1 of 4 stars; one submission).

Conditions:
Combined oxidative phosphorylation defect type 14. Also called: Combined oxidative phosphorylation deficiency 14. Identifiers: Orphanet 319519, MedGen C4755312, MONDO:0013986, OMIM 614946.

Submission:

Labcorp Genetics (formerly Invitae), Labcorp
Classification: Pathogenic for Combined oxidative phosphorylation defect type 14. Last evaluated: 2026-01-27. Review status: criteria provided, single submitter. Criteria: Invitae Variant Classification Sherloc (09022015). Collection method: clinical testing. Allele origin: germline.
Comment: This sequence change creates a premature translational stop signal (p.Glu91*) in the FARS2 gene. It is expected to result in an absent or disrupted protein product. Loss-of-function variants in FARS2 are known to be pathogenic (PMID: 22833457). This variant is not present in population databases (gnomAD no frequency). This variant has not been reported in the literature in individuals affected with FARS2-related conditions. For these reasons, this variant has been classified as Pathogenic.

Literature cited by the submitters: PubMed 22833457.